The following is an entry in ClinVar:

NM_001105206.3(LAMA4):c.193G>A (p.Glu65Lys)

Genes: LAMA4 (laminin subunit alpha 4; minus strand), LAMA4-AS1 (LAMA4 antisense RNA 1; plus strand). Cytogenetic location: 6q21.
Variant type: single nucleotide variant.
Coding change: c.193G>A on transcript NM_001105206.3 (MANE Select); coding-DNA position 193, G replaced by A.
Protein change: p.Glu65Lys; replaces glutamic acid 65 with lysine.
Molecular consequence: missense variant.
Genome position (GRCh38, 1-based): chr6:112,253,958, C>T on the plus strand (G>A on the coding strand, the complement: LAMA4 is on the minus strand). VCF-style: chr6-112253958-C-T. GRCh37 (hg19) VCF-style: chr6-112575160-C-T.
Other names: c.193G>A, p.Glu65Lys (NM_001105207.3, NM_001105208.3, NM_001105209.3 and 1 more transcripts); short protein forms E65K.
Identifiers: ClinVar variation 3372604 (VCV003372604.1).

ClinVar aggregate classification (germline): Uncertain significance (1 of 4 stars; one submission).

gnomAD v4.1: 1 of 1,592,820 alleles (0.000063%); highest among the groups gnomAD compares: Non-Finnish European, 0.000086%; no homozygotes.

Submission:

GeneDx
Classification: Uncertain significance. Last evaluated: 2024-05-03. Review status: criteria provided, single submitter. Criteria: GeneDx Variant Classification Process June 2021. Collection method: clinical testing. Allele origin: germline. Affected: yes.
Comment: Not observed at significant frequency in large population cohorts (gnomAD); In silico analysis supports that this missense variant has a deleterious effect on protein structure/function; Has not been previously published as pathogenic or benign to our knowledge